The following is an entry in ClinVar:

ClinVar aggregate classification (germline): Uncertain significance (1 of 4 stars; one submission).

Submission:

GeneDx
Classification: Uncertain significance. Last evaluated: 2022-11-30. Review status: criteria provided, single submitter. Criteria: GeneDx Variant Classification Process June 2021. Collection method: clinical testing. Allele origin: germline. Affected: yes.
Comment: Not observed at significant frequency in large population cohorts (gnomAD); In silico analysis supports that this missense variant has a deleterious effect on protein structure/function; Has not been previously published as pathogenic or benign to our knowledge

NM_001070.5(TUBG1):c.671C>T (p.Ser224Phe)

Gene: TUBG1 (tubulin gamma 1; plus strand). Cytogenetic location: 17q21.2.
Variant type: single nucleotide variant.
Coding change: c.671C>T on transcript NM_001070.5 (MANE Select); coding-DNA position 671, C replaced by T.
Protein change: p.Ser224Phe; replaces serine 224 with phenylalanine.
Molecular consequence: missense variant.
Genome position (GRCh38, 1-based): chr17:42,613,711, C>T. VCF-style: chr17-42613711-C-T. GRCh37 (hg19) VCF-style: chr17-40765729-C-T.
Other names: short protein forms S224F.
Identifiers: ClinVar variation 1309602 (VCV001309602.2), dbSNP rs2143454617, ClinGen allele CA399626024.